The following is an entry in ClinVar:

ClinVar aggregate classification (germline): Likely benign. Review status: criteria provided, multiple submitters, no conflicts (2 of 4 stars). 2 submissions from 2 submitters: Likely benign (2). Last evaluated 2026-05-28.

Conditions:
SPEG-related disorder. Also called: SPEG-related condition.

Allele frequency attached by ClinVar (database versions not stated): gnomAD exomes 0.00001 and 0.00002; ExAC 0.00008; gnomAD 0.00014; TOPMed 0.00014; 1000 Genomes Project 30x 0.00016; 1000 Genomes Project 0.00020; ESP Exome Variant Server 0.00048.
gnomAD v4.1: 28 of 1,567,176 alleles (0.0018%); highest among the groups gnomAD compares: African/African-American, 0.034%; no homozygotes.

Submissions (2):

PreventionGenetics, part of Exact Sciences
Classification: Likely benign for SPEG-related condition. Last evaluated: 2026-05-28. Review status: criteria provided, single submitter. Criteria: ACMG Guidelines, 2015. Collection method: clinical testing. Allele origin: germline.
Comment: This variant is classified as likely benign based on ACMG/AMP sequence variant interpretation guidelines (Richards et al. 2015 PMID: 25741868, with internal and published modifications).

Labcorp Genetics (formerly Invitae), Labcorp
Classification: Likely benign. Last evaluated: 2026-01-28. Review status: criteria provided, single submitter. Criteria: Invitae Variant Classification Sherloc (09022015). Collection method: clinical testing. Allele origin: germline.

NM_005876.5(SPEG):c.2667C>T (p.Ser889=)

Gene: SPEG (striated muscle enriched protein kinase; plus strand). Cytogenetic location: 2q35.
Variant type: single nucleotide variant.
Coding change: c.2667C>T on transcript NM_005876.5 (MANE Select); coding-DNA position 2667, C replaced by T.
Protein change: p.Ser889=; no amino-acid change (serine 889 retained).
Molecular consequence: synonymous variant.
Genome position (GRCh38, 1-based): chr2:219,462,348, C>T. VCF-style: chr2-219462348-C-T. GRCh37 (hg19) VCF-style: chr2-220327070-C-T.
Other names: c.120C>T, p.Ser40= (NM_001173476.2); c.2667C>T (NM_005876.4).
Identifiers: ClinVar variation 1582300 (VCV001582300.10), dbSNP rs373573212, ClinGen allele CA2125912.
Genomic context (GRCh38, chr2:219,462,348, plus strand): 5'-CCCCCTTCAGGTCTCACTTATGGACCAGTCAGTAAGAGAAGGCCAAGATGTCATCATGAG[C>T]ATCCGCGTGCAGGGGGAGCCCAAGCCTGTGGTCTCCTGGTGAGTAGCCGCACTTTCCACC-3'
Protein context (NP_005867.3, residues 879-899): SVREGQDVIM[Ser889=]IRVQGEPKPV